The following is an entry in ClinVar:

ClinVar aggregate classification (germline): Likely benign. Review status: reviewed by expert panel (3 of 4 stars). 10 submissions from 10 submitters: Likely benign (1). 9 of the submissions do not count toward it. Last evaluated 2017-06-29.

Conditions:
BRCA2-related disorder. Also called: BRCA2-related condition; BRCA2-related disorders. Identifiers: MedGen CN239275.
Hereditary cancer-predisposing syndrome. Also called: Tumor predisposition; Hereditary Cancer Syndrome; Neoplastic Syndromes, Hereditary; Hereditary neoplastic syndrome. Identifiers: Orphanet 140162, MedGen C0027672, MeSH D009386, MONDO:0015356.
Hereditary breast ovarian cancer syndrome. Also called: Hereditary breast and/or ovarian cancer syndrome; BRCA1- and BRCA2-Associated Hereditary Breast and Ovarian Cancer; Hereditary breast and ovarian cancer; Hereditary breast and ovarian cancer syndrome (HBOC); Breast and ovarian cancer; Hereditary breast and ovarian cancer syndrome. Identifiers: Orphanet 145, MedGen C0677776, MeSH D061325, MONDO:0003582. Disease mechanism: loss of function.
Breast-ovarian cancer, familial, susceptibility to, 2 (BROVCA2). Also called: BRCA2 Hereditary Breast and Ovarian Cancer. Identifiers: Orphanet 145, MedGen C2675520, MONDO:0012933, OMIM 612555. Disease mechanism: loss of function.

Allele frequency attached by ClinVar (database versions not stated): gnomAD exomes below 0.00001 and 0.00002; gnomAD 0.00001; ExAC 0.00002; 1000 Genomes Project 30x 0.00016; 1000 Genomes Project 0.00020.
gnomAD v4.1: 5 of 1,614,126 alleles (0.00031%); highest among the groups gnomAD compares: South Asian, 0.0022%; no homozygotes.

Submissions (10):

Evidence-based Network for the Interpretation of Germline Mutant Alleles (ENIGMA)
Classification: Likely benign for Breast-ovarian cancer, familial, susceptibility to, 2. Last evaluated: 2017-06-29. Review status: reviewed by expert panel. Criteria: ENIGMA BRCA1/2 Classification Criteria (2017-06-29). Collection method: curation. Allele origin: germline.
Comment: Synonymous substitution variant, with low bioinformatic likelihood to result in a splicing aberration (Splicing prior probability 0.02).

Labcorp Genetics (formerly Invitae), Labcorp
Classification: Likely benign for Hereditary breast ovarian cancer syndrome. Last evaluated: 2025-11-18. Review status: criteria provided, single submitter. Criteria: Invitae Variant Classification Sherloc (09022015). Collection method: clinical testing. Allele origin: germline. Not counted in ClinVar's aggregate classification.

Center for Genomic Medicine, Rigshospitalet, Copenhagen University Hospital
Classification: Likely benign. Last evaluated: 2025-03-04. Review status: criteria provided, single submitter. Criteria: ACMG Guidelines, 2015. Collection method: clinical testing. Allele origin: germline. Not counted in ClinVar's aggregate classification.

All of Us Research Program, National Institutes of Health
Classification: Likely benign for Breast-ovarian cancer, familial, susceptibility to, 2. Last evaluated: 2023-02-24. Review status: criteria provided, single submitter. Criteria: ACMG Guidelines, 2015. Collection method: clinical testing. Allele origin: germline. Inheritance: Autosomal dominant inheritance. Observed: 2 variant alleles, 2 heterozygotes. Not counted in ClinVar's aggregate classification.
Comment: This study involves interpretation of variants in research participants for the purpose of population health screening. Participant phenotype was not available at the time of variant classification. Additional details can be found in publication PMID: 35346344, PMCID: PMC8962531

Quest Diagnostics Nichols Institute San Juan Capistrano
Classification: Likely benign. Last evaluated: 2019-12-02. Review status: criteria provided, single submitter. Criteria: Quest Diagnostics criteria. Collection method: clinical testing. Allele origin: unknown. Not counted in ClinVar's aggregate classification.

Women's Health and Genetics/Laboratory Corporation of America, LabCorp
Classification: Likely benign. Last evaluated: 2019-08-21. Review status: criteria provided, single submitter. Criteria: LabCorp Variant Classification Summary - May 2015. Collection method: clinical testing. Allele origin: germline. Not counted in ClinVar's aggregate classification.

GeneDx
Classification: Likely benign. Last evaluated: 2019-02-27. Review status: criteria provided, single submitter. Criteria: GeneDx Variant Classification Process June 2021. Collection method: clinical testing. Allele origin: germline. Affected: yes. Not counted in ClinVar's aggregate classification.

Color Diagnostics, LLC DBA Color Health
Classification: Likely benign for Hereditary cancer-predisposing syndrome. Last evaluated: 2017-08-21. Review status: criteria provided, single submitter. Criteria: ACMG Guidelines, 2015. Collection method: clinical testing. Allele origin: germline. Not counted in ClinVar's aggregate classification.

Ambry Genetics
Classification: Likely benign for Hereditary cancer-predisposing syndrome. Last evaluated: 2016-04-22. Review status: criteria provided, single submitter. Criteria: Ambry Variant Classification Scheme 2023. Collection method: clinical testing. Allele origin: germline. Not counted in ClinVar's aggregate classification.

PreventionGenetics, part of Exact Sciences
Classification: Likely benign for BRCA2-related condition. Last evaluated: 2023-04-05. Review status: no assertion criteria provided. Collection method: clinical testing. Allele origin: germline. Not counted in ClinVar's aggregate classification.
Comment: This variant is classified as likely benign based on ACMG/AMP sequence variant interpretation guidelines (Richards et al. 2015 PMID: 25741868, with internal and published modifications).

NM_000059.4(BRCA2):c.9918C>A (p.Thr3306=)

Gene: BRCA2 (BRCA2 DNA repair associated; plus strand). Cytogenetic location: 13q13.1.
Variant type: single nucleotide variant.
Coding change: c.9918C>A on transcript NM_000059.4 (MANE Select); coding-DNA position 9918, C replaced by A.
Protein change: p.Thr3306=; no amino-acid change (threonine 3306 retained).
Molecular consequence: synonymous variant.
Genome position (GRCh38, 1-based): chr13:32,398,431, C>A. VCF-style: chr13-32398431-C-A. GRCh37 (hg19) VCF-style: chr13-32972568-C-A.
Identifiers: ClinVar variation 215627 (VCV000215627.27), dbSNP rs562881210, ClinGen allele CA338394.